The following is an entry in ClinVar:

ClinVar aggregate classification (germline): Uncertain significance. Review status: criteria provided, multiple submitters, no conflicts (2 of 4 stars). 4 submissions from 4 submitters: Uncertain significance (4). Last evaluated 2025-06-19.

Conditions:
Ehlers-Danlos syndrome, kyphoscoliotic type 1 (EDSKSCL1). Also called: EHLERS-DANLOS SYNDROME, OCULAR-SCOLIOTIC TYPE; Ehlers-Danlos syndrome, hydroxylysine-deficient; PLOD1-Related Kyphoscoliotic Ehlers-Danlos Syndrome; EHLERS-DANLOS SYNDROME, TYPE VIA. Identifiers: Orphanet 1900, MedGen C0268342, MONDO:0016002, OMIM 225400. Disease mechanism: loss of function.

Allele frequency attached by ClinVar (database versions not stated): gnomAD 0.00001; gnomAD exomes 0.00001 and 0.00002; TOPMed 0.00001; ExAC 0.00002.
gnomAD v4.1: 17 of 1,614,042 alleles (0.0011%); highest among the groups gnomAD compares: Admixed American, 0.0033%; no homozygotes.

Submissions (4):

Women's Health and Genetics/Laboratory Corporation of America, LabCorp
Classification: Uncertain significance. Last evaluated: 2025-06-19. Review status: criteria provided, single submitter. Criteria: LabCorp Variant Classification Summary - May 2015. Collection method: clinical testing. Allele origin: germline.
Comment: Variant summary: PLOD1 c.352C>T (p.Arg118Trp) results in a non-conservative amino acid change in the encoded protein sequence. Algorithms developed to predict the effect of missense changes on protein structure and function are either unavailable or do not agree on the potential impact of this missense change. The variant allele was found at a frequency of 1.6e-05 in 251182 control chromosomes. The available data on variant occurrences in the general population are insufficient to allow any conclusion about variant significance. To our knowledge, no occurrence of c.352C>T in individuals affected with Ehlers-Danlos syndrome, kyphoscoliotic type 1 and no experimental evidence demonstrating its impact on protein function have been reported. ClinVar contains an entry for this variant (Variation ID: 523065). Based on the evidence outlined above, the variant was classified as uncertain significance.

ARUP Laboratories, Molecular Genetics and Genomics, ARUP Laboratories
Classification: Uncertain significance for Ehlers-Danlos syndrome, kyphoscoliotic type 1. Last evaluated: 2023-04-03. Review status: criteria provided, single submitter. Criteria: ARUP Molecular Germline Variant Investigation Process 2024. Collection method: clinical testing. Allele origin: germline.
Comment: The PLOD1 c.352C>T; p.Arg118Trp variant (rs771186398), to our knowledge, is not reported in the medical literature but is reported in ClinVar (Variation ID: 523065). This variant is observed in the general population with an overall allele frequency of 0.002% (5/282586 alleles) in the Genome Aggregation Database. Computational analyses are uncertain whether this variant is neutral or deleterious (REVEL: 0.262). Due to limited information, the clinical significance of this variant is uncertain at this time.

Labcorp Genetics (formerly Invitae), Labcorp
Classification: Uncertain significance for Ehlers-Danlos syndrome, kyphoscoliotic type 1. Last evaluated: 2022-07-26. Review status: criteria provided, single submitter. Criteria: Invitae Variant Classification Sherloc (09022015). Collection method: clinical testing. Allele origin: germline.
Comment: This sequence change replaces arginine, which is basic and polar, with tryptophan, which is neutral and slightly polar, at codon 118 of the PLOD1 protein (p.Arg118Trp). This variant is present in population databases (rs771186398, gnomAD 0.003%). This variant has not been reported in the literature in individuals affected with PLOD1-related conditions. ClinVar contains an entry for this variant (Variation ID: 523065). Algorithms developed to predict the effect of missense changes on protein structure and function are either unavailable or do not agree on the potential impact of this missense change (SIFT: "Deleterious"; PolyPhen-2: "Benign"; Align-GVGD: "Class C0"). In summary, the available evidence is currently insufficient to determine the role of this variant in disease. Therefore, it has been classified as a Variant of Uncertain Significance.

Genomic Research Center, Shahid Beheshti University of Medical Sciences
Classification: Uncertain significance. Last evaluated: 2020-05-03. Review status: criteria provided, single submitter. Criteria: ACMG Guidelines, 2015. Collection method: clinical testing. Allele origin: unknown.

NM_000302.4(PLOD1):c.352C>T (p.Arg118Trp)

Gene: PLOD1 (procollagen-lysine,2-oxoglutarate 5-dioxygenase 1; plus strand). Cytogenetic location: 1p36.22.
Variant type: single nucleotide variant.
Coding change: c.352C>T on transcript NM_000302.4 (MANE Select); coding-DNA position 352, C replaced by T.
Protein change: p.Arg118Trp; replaces arginine 118 with tryptophan.
Molecular consequence: missense variant.
Genome position (GRCh38, 1-based): chr1:11,950,406, C>T. VCF-style: chr1-11950406-C-T. GRCh37 (hg19) VCF-style: chr1-12010463-C-T.
Other names: c.493C>T, p.Arg165Trp (NM_001316320.2); short protein forms R118W, R165W.
Identifiers: ClinVar variation 523065 (VCV000523065.13), dbSNP rs771186398, ClinGen allele CA597880.